The following is an entry in ClinVar:

NM_001127222.2(CACNA1A):c.1825T>A (p.Ser609Thr)

Gene: CACNA1A (calcium voltage-gated channel subunit alpha1 A; minus strand). Cytogenetic location: 19p13.13.
Variant type: single nucleotide variant.
Coding change: c.1825T>A on transcript NM_001127222.2 (MANE Select); coding-DNA position 1825, T replaced by A.
Protein change: p.Ser609Thr; replaces serine 609 with threonine.
Molecular consequence: missense variant.
Genome position (GRCh38, 1-based): chr19:13,308,208, A>T on the plus strand (T>A on the coding strand, the complement: CACNA1A is on the minus strand). VCF-style: chr19-13308208-A-T. GRCh37 (hg19) VCF-style: chr19-13419022-A-T.
Other names: c.1828T>A, p.Ser610Thr (NM_000068.4, NM_001127221.2, NM_001174080.2 and 1 more transcripts); short protein forms S609T, S610T.
Identifiers: ClinVar variation 2506805 (VCV002506805.1), dbSNP rs2512947981, ClinGen allele CA404344909.
Genomic context (GRCh38, chr19:13,308,208, plus strand): 5'-GGGCGAAGACGACAATGAACAGGAAAAGGAGAAACAACAGGCTGATGATGGACTTCATGG[A>T]GTTGAGGAGAGAGACGACCAGGTTTCTGAGAGATGCCCAGTACCTGCCGACAGAGGCCAG-3'
Protein context (NP_001120694.1, residues 599-619): LRNLVVSLLN[Ser609Thr]MKSIISLLFL

ClinVar aggregate classification (germline): Uncertain significance (1 of 4 stars; one submission).

Submission:

GeneDx
Classification: Uncertain significance. Last evaluated: 2022-12-19. Review status: criteria provided, single submitter. Criteria: GeneDx Variant Classification Process June 2021. Collection method: clinical testing. Allele origin: germline. Affected: yes.
Comment: Not observed at significant frequency in large population cohorts (gnomAD); In silico analysis supports that this missense variant has a deleterious effect on protein structure/function; Has not been previously published as pathogenic or benign to our knowledge